The following is an entry in ClinVar:

ClinVar aggregate classification (germline): Uncertain significance (1 of 4 stars; one submission).

Conditions:
Inborn genetic diseases. Identifiers: MedGen C0950123, MeSH D030342.

Submission:

Ambry Genetics
Classification: Uncertain significance for Inborn genetic diseases. Last evaluated: 2025-07-25. Review status: criteria provided, single submitter. Criteria: Ambry Variant Classification Scheme 2023. Collection method: clinical testing. Allele origin: germline.
Comment: The p.H342Y variant (also known as c.1024C>T), located in coding exon 7 of the MECOM gene, results from a C to T substitution at nucleotide position 1024. The histidine at codon 342 is replaced by tyrosine, an amino acid with similar properties. This amino acid position is conserved. In addition, this alteration is predicted to be deleterious by in silico analysis. Based on the available evidence, the clinical significance of this variant remains unclear.

NM_004991.4(MECOM):c.1024C>T (p.His342Tyr)

Gene: MECOM (MDS1 and EVI1 complex locus; minus strand). Cytogenetic location: 3q26.2.
Variant type: single nucleotide variant.
Coding change: c.1024C>T on transcript NM_004991.4 (MANE Select); coding-DNA position 1024, C replaced by T.
Protein change: p.His342Tyr; replaces histidine 342 with tyrosine.
Molecular consequence: missense variant.
Genome position (GRCh38, 1-based): chr3:169,121,164, G>A on the plus strand (C>T on the coding strand, the complement: MECOM is on the minus strand). VCF-style: chr3-169121164-G-A. GRCh37 (hg19) VCF-style: chr3-168838952-G-A.
Other names: c.655C>T, p.His219Tyr (NM_001105077.4); c.460C>T, p.His154Tyr (NM_001105078.4, NM_001164000.2, NM_001205194.2 and 5 more transcripts); c.463C>T, p.His155Tyr (NM_001163999.2, NM_001366467.2, NM_001366468.2 and 1 more transcripts); c.1024C>T, p.His342Tyr (NM_001366466.2, NM_001366473.2); short protein forms H219Y, H154Y, H342Y, H155Y.
Identifiers: ClinVar variation 4105794 (VCV004105794.1).
Genomic context (GRCh38, chr3:169,121,164, plus strand): 5'-CCGACGAAGTGGCAAACGTTTTGCCACACTCCGGGCATGCATGGGCCCGGGCACCGACAT[G>A]CTGAGAGCGAATGTGCCGCTGAAGGTTGCTAGGGTCCGTGAAAACCTGCTAGGAAATGAG-3'
Protein context (NP_004982.2, residues 332-352): SNLQRHIRSQ[His342Tyr]VGARAHACPE